The following is an entry in ClinVar:

ClinVar aggregate classification (germline): Likely pathogenic. Review status: criteria provided, multiple submitters, no conflicts (2 of 4 stars). 3 submissions from 3 submitters: Likely pathogenic (2). 1 of the submissions does not count toward it. Last evaluated 2025-07-07.

Conditions:
Pendred syndrome (PDS). Also called: DEAFNESS WITH GOITER; GOITER-DEAFNESS SYNDROME; HYPOTHYROIDISM, CONGENITAL, DUE TO DYSHORMONOGENESIS, 2B; Pendred's syndrome; Pendred Syndrome (PDS); THYROID DYSHORMONOGENESIS 2B. Identifiers: Orphanet 705, MedGen C0271829, MONDO:0010134, OMIM 274600.

Submissions (3):

Natera, Inc.
Classification: Likely pathogenic for Pendred syndrome. Last evaluated: 2025-07-07. Review status: criteria provided, single submitter. Criteria: Natera Variant Classification Schema (03/2026). Collection method: clinical testing. Allele origin: germline.
Comment: The c.765_765+3delTGTA variant in SLC26A4 is a frameshift variant predicted to shift the reading frame and introduce a stop codon. This variant is expected to result in nonsense mediated decay, truncation, or a dysfunctional protein product. This variant is rare in the general population with a frequency below the threshold expected for the associated phenotype(s). Given the available evidence, this variant is classified as Likely Pathogenic.

Labcorp Genetics (formerly Invitae), Labcorp
Classification: Likely pathogenic. Last evaluated: 2023-12-30. Review status: criteria provided, single submitter. Criteria: Invitae Variant Classification Sherloc (09022015). Collection method: clinical testing. Allele origin: germline.
Comment: This variant results in the deletion of part of exon 6 (c.765_765+3del) of the SLC26A4 gene. It is expected to disrupt RNA splicing. Variants that disrupt the donor or acceptor splice site typically lead to a loss of protein function (PMID: 16199547), and loss-of-function variants in SLC26A4 are known to be pathogenic (PMID: 16283880, 25394566, 26252218, 26445815). This variant is present in population databases (rs756076960, gnomAD 0.007%). This variant has not been reported in the literature in individuals affected with SLC26A4-related conditions. ClinVar contains an entry for this variant (Variation ID: 551090). Algorithms developed to predict the effect of sequence changes on RNA splicing suggest that this variant may disrupt the consensus splice site. In summary, the currently available evidence indicates that the variant is pathogenic, but additional data are needed to prove that conclusively. Therefore, this variant has been classified as Likely Pathogenic.

Counsyl
Classification: Likely pathogenic for Pendred syndrome. Last evaluated: 2017-03-24. Review status: no assertion criteria provided. Collection method: clinical testing. Allele origin: unknown. Not counted in ClinVar's aggregate classification.

Literature cited by the submitters: PubMed 16199547 (cited by Labcorp Genetics (formerly Invitae), Labcorp); PubMed 16283880 (cited by Labcorp Genetics (formerly Invitae), Labcorp); PubMed 25394566 (cited by Labcorp Genetics (formerly Invitae), Labcorp); PubMed 26252218 (cited by Labcorp Genetics (formerly Invitae), Labcorp); PubMed 26445815 (cited by Labcorp Genetics (formerly Invitae), Labcorp).

NM_000441.2(SLC26A4):c.765_765+3del

Gene: SLC26A4 (solute carrier family 26 member 4; plus strand). Cytogenetic location: 7q22.3.
Variant type: Deletion.
Coding change: c.765_765+3del on transcript NM_000441.2 (MANE Select); coding-DNA position 765 through 3 bases into the intron after coding-DNA position 765, 4 bases deleted (TGTA; older notation c.765_765+3delTGTA).
Molecular consequence: splice donor variant.
Genome position (GRCh38, 1-based): chr7:107,675,109-107,675,112, TGTA deleted; deleting any 4 consecutive bases within chr7:107,675,107-107,675,112 gives the same sequence; the c. name uses the placement nearest the transcript's 3' end. VCF-style (leftmost placement, unchanged base first): chr7-107675106-CTATG-C. GRCh37 (hg19) VCF-style: chr7-107315551-CTATG-C.
Other names: c.765_765+3delTGTA (NM_000441.1).
Identifiers: ClinVar variation 551090 (VCV000551090.9), dbSNP rs756076960, ClinGen allele CA4432559.